The following is an entry in ClinVar:

ClinVar aggregate classification (germline): Conflicting classifications of pathogenicity. Review status: criteria provided, conflicting classifications (1 of 4 stars). 2 submissions from 2 submitters: Uncertain significance (1); Likely benign (1). Last evaluated 2025-06-24.

Allele frequency attached by ClinVar (database versions not stated): gnomAD exomes 0.00005 and 0.00013; ExAC 0.00018; 1000 Genomes Project 30x 0.00031; 1000 Genomes Project 0.00040; gnomAD 0.00043 and 0.00044; TOPMed 0.00055; ESP Exome Variant Server 0.00119.

Submissions (2):

Labcorp Genetics (formerly Invitae), Labcorp
Classification: Likely benign. Last evaluated: 2025-06-24. Review status: criteria provided, single submitter. Criteria: Invitae Variant Classification Sherloc (09022015). Collection method: clinical testing. Allele origin: germline.

Ambry Genetics
Classification: Uncertain significance. Last evaluated: 2022-11-15. Review status: criteria provided, single submitter. Criteria: Ambry Variant Classification Scheme 2023. Collection method: clinical testing. Allele origin: germline.
Comment: The p.T1140I variant (also known as c.3419C>T), located in coding exon 17 of the NPAT gene, results from a C to T substitution at nucleotide position 3419. The threonine at codon 1140 is replaced by isoleucine, an amino acid with similar properties. This amino acid position is conserved. In addition, this alteration is predicted to be tolerated by in silico analysis. Since supporting evidence is limited at this time, the clinical significance of this alteration remains unclear.

NM_002519.3(NPAT):c.3419C>T (p.Thr1140Ile)

Gene: NPAT (nuclear protein, coactivator of histone transcription; minus strand). Cytogenetic location: 11q22.3.
Variant type: single nucleotide variant.
Coding change: c.3419C>T on transcript NM_002519.3 (MANE Select); coding-DNA position 3419, C replaced by T.
Protein change: p.Thr1140Ile; replaces threonine 1140 with isoleucine.
Molecular consequence: missense variant.
Genome position (GRCh38, 1-based): chr11:108,161,667, G>A on the plus strand (C>T on the coding strand, the complement: NPAT is on the minus strand). VCF-style: chr11-108161667-G-A. GRCh37 (hg19) VCF-style: chr11-108032394-G-A.
Other names: c.3440C>T, p.Thr1147Ile (NM_001321307.1); short protein forms T1140I, T1147I.
Identifiers: ClinVar variation 754085 (VCV000754085.9), dbSNP rs145576966, ClinGen allele CA6263582.